The following is an entry in ClinVar:

ClinVar aggregate classification (germline): Uncertain significance. Review status: criteria provided, multiple submitters, no conflicts (2 of 4 stars). 3 submissions from 3 submitters: Uncertain significance (3). Last evaluated 2025-02-10.

Conditions:
Emery-Dreifuss muscular dystrophy 5, autosomal dominant (EDMD5). Also called: EMERY-DREIFUSS MUSCULAR DYSTROPHY 5. Identifiers: Orphanet 261, MedGen C2751805, MONDO:0013072, OMIM 612999.

Allele frequency attached by ClinVar (database versions not stated): gnomAD exomes below 0.00001 and 0.00002; gnomAD 0.00001; TOPMed 0.00001.
gnomAD v4.1: 26 of 1,611,690 alleles (0.0016%); highest among the groups gnomAD compares: African/African-American, 0.0027%; no homozygotes.

Submissions (3):

Women's Health and Genetics/Laboratory Corporation of America, LabCorp
Classification: Uncertain significance. Last evaluated: 2025-02-10. Review status: criteria provided, single submitter. Criteria: LabCorp Variant Classification Summary - May 2015. Collection method: clinical testing. Allele origin: germline.
Comment: Variant summary: SYNE2 c.12609+1G>A is located in a canonical splice-site and is predicted to affect mRNA splicing resulting in a significantly altered protein due to either exon skipping, shortening, or inclusion of intronic material. Variants that disrupt the consensus splice site are a relatively common cause of aberrant splicing, however current evidence is not sufficient to establish loss of function as a mechanism for disease. Several computational tools predict a significant impact on normal splicing: Four predict the variant abolishes a 5' splicing donor site. However, these predictions have yet to be confirmed by functional studies. The variant allele was found at a frequency of 4e-06 in 251444 control chromosomes. The available data on variant occurrences in the general population are insufficient to allow any conclusion about variant significance. To our knowledge, no occurrence of c.12609+1G>A in individuals affected with Emery-Dreifuss muscular dystrophy 5, autosomal dominant and no experimental evidence demonstrating its impact on protein function have been reported. ClinVar contains an entry for this variant (Variation ID: 807123). Based on the evidence outlined above, the variant was classified as uncertain significance.

Labcorp Genetics (formerly Invitae), Labcorp
Classification: Uncertain significance for Emery-Dreifuss muscular dystrophy 5, autosomal dominant. Last evaluated: 2023-02-03. Review status: criteria provided, single submitter. Criteria: Invitae Variant Classification Sherloc (09022015). Collection method: clinical testing. Allele origin: germline.
Comment: This variant has not been reported in the literature in individuals affected with SYNE2-related conditions. In summary, the available evidence is currently insufficient to determine the role of this variant in disease. Therefore, it has been classified as a Variant of Uncertain Significance. Algorithms developed to predict the effect of sequence changes on RNA splicing suggest that this variant may disrupt the consensus splice site. ClinVar contains an entry for this variant (Variation ID: 807123). This variant is present in population databases (rs745516407, gnomAD 0.0009%). This sequence change affects a donor splice site in intron 65 of the SYNE2 gene. It is expected to disrupt RNA splicing. Variants that disrupt the donor or acceptor splice site typically lead to a loss of protein function (PMID: 16199547), however the current clinical and genetic evidence is not sufficient to establish whether loss-of-function variants in SYNE2 cause disease.

CeGaT Center for Human Genetics Tuebingen
Classification: Uncertain significance. Last evaluated: 2019-04-01. Review status: criteria provided, single submitter. Criteria: CeGaT Center For Human Genetics Tuebingen Variant Classification Criteria Version 2. Collection method: clinical testing. Allele origin: germline. Affected: yes. Observed: 1 variant allele.

Literature cited by the submitters: PubMed 16199547 (cited by Labcorp Genetics (formerly Invitae), Labcorp).

NM_182914.3(SYNE2):c.12609+1G>A

Gene: SYNE2 (spectrin repeat containing nuclear envelope protein 2; plus strand). Cytogenetic location: 14q23.2.
Variant type: single nucleotide variant.
Coding change: c.12609+1G>A on transcript NM_182914.3 (MANE Select); the canonical splice donor site of the intron after coding-DNA position 12609, G replaced by A.
Molecular consequence: splice donor variant.
Genome position (GRCh38, 1-based): chr14:64,107,608, G>A. VCF-style: chr14-64107608-G-A. GRCh37 (hg19) VCF-style: chr14-64574326-G-A.
Other names: c.12609+1G>A (NM_015180.6).
Identifiers: ClinVar variation 807123 (VCV000807123.48), dbSNP rs745516407, ClinGen allele CA261831611.